The following is an entry in ClinVar:

ClinVar aggregate classification (germline): Pathogenic. Review status: criteria provided, multiple submitters, no conflicts (2 of 4 stars). 9 submissions from 9 submitters: Pathogenic (8). 1 of the submissions does not count toward it. Last evaluated 2026-09-18.

Conditions:
Renal cysts and diabetes syndrome (RCAD). Also called: Familial hypoplastic, glomerulocystic kidney; MATURITY-ONSET DIABETES OF THE YOUNG, TYPE 5. Identifiers: Orphanet 93111, MedGen C0431693, MONDO:0007669, OMIM 137920.
HNF1B-related disorder. Also called: HNF1B-related condition; HNF1B-related disorders.
Nonpapillary renal cell carcinoma. Identifiers: Orphanet 422526, MedGen CN074294, MONDO:0007763, OMIM 144700.
Type 2 diabetes mellitus. Also called: Type II diabetes mellitus. Identifiers: MedGen C0011860, MeSH D003924, MONDO:0005148, OMIM 125853, HP:0005978.

Submissions (9):

PreventionGenetics, part of Exact Sciences
Classification: Pathogenic for HNF1B-related condition. Last evaluated: 2026-09-18. Review status: criteria provided, single submitter. Criteria: ACMG Guidelines, 2015. Collection method: clinical testing. Allele origin: germline.
Comment: The HNF1B c.827G>A variant is predicted to result in the amino acid substitution p.Arg276Gln. This variant has been reported in the heterozygous state in multiple unrelated individuals with a diagnosis or clinical features suggestive of mature onset diabetes of the young type 5 (MODY5) and has been reported in similarly affected family members in at least three families (Edghill et al. 2006. PubMed ID: 15930087; Johnson et al. 2018. PubMed ID: 29417725; Amaral et al. 2023. PubMed ID: 36793123; Ruzgienė et al. 2021. PubMed ID: 35474932). This variant has also been reported as a de novo finding in an individual with congenital anomalies of the kidney and urinary tract (CAKUT) and in another individual with renal involvement and cholestasis (Madariaga et al. 2013. PubMed ID: 23539225; Pinon et al. 2019. PubMed ID: 30791938). This variant has not been reported in a large population database (gnomAD), indicating this variant is rare, and is interpreted as pathogenic in ClinVar (Variation ID: 635641). An alternate missense at the same amino acid position, p.Arg276Gly, has been reported in an individual with MODY5 (Bellanne-Chantelot et al. 2005. PubMed ID: 16249435). Taken together, this variant is interpreted as pathogenic.

GeneDx
Classification: Pathogenic. Last evaluated: 2026-02-25. Review status: criteria provided, single submitter. Criteria: GeneDx Variant Classification Process June 2021. Collection method: clinical testing. Allele origin: germline.
Comment: Not observed at significant frequency in large population cohorts (gnomAD); In silico analysis supports that this missense variant has a deleterious effect on protein structure/function; This variant is associated with the following publications: (PMID: 24382792, Yu2022[abstract], 30791938, 23539225, 27297286, 25536396, 25700310, 29417725, 29867778, 25414397, 28215227, 35474932, 17924661, 15930087, Abali2023[CaseReport], 36793123)

3billion
Classification: Pathogenic for Renal cysts and diabetes syndrome. Last evaluated: 2025-12-29. Review status: criteria provided, single submitter. Criteria: ACMG Guidelines, 2015. Collection method: clinical testing. Allele origin: germline. Affected: yes.
Comment: The variant is not observed in the gnomAD v4.1.0 dataset. Predicted Consequence/Location: The variant is located in a mutational hot spot and/or well-established functional domain in which established pathogenic variants have been reported (PMID: 15509593, 12453420). In silico tool predictions suggest damaging effect of the variant on gene or gene product [REVEL: 0.89 (>=0.6, sensitivity 0.68 and specificity 0.92); 3Cnet: 0.96 (> 0.75, sensitivity 0.96 and precision 0.92)]. The same nucleotide change resulting in the same amino acid change has been previously reported as pathogenic/likely pathogenic with strong evidence (ClinVar ID: VCV000635641 /PMID: 15930087). A different missense change at the same codon (p.Arg276Gly) has been reported as pathogenic/likely pathogenic with strong evidence (ClinVar ID: VCV000635640 /PMID: 16249435). Therefore, this variant is classified as Pathogenic according to the recommendation of ACMG/AMP guideline.

Labcorp Genetics (formerly Invitae), Labcorp
Classification: Pathogenic. Last evaluated: 2025-08-25. Review status: criteria provided, single submitter. Criteria: Invitae Variant Classification Sherloc (09022015). Collection method: clinical testing. Allele origin: germline.
Comment: This sequence change replaces arginine, which is basic and polar, with glutamine, which is neutral and polar, at codon 276 of the HNF1B protein (p.Arg276Gln). This variant is not present in population databases (gnomAD no frequency). This missense change has been observed in individual(s) with HNF1B-related conditions (PMID: 15930087, 23539225, 30791938). In at least one individual the variant was observed to be de novo. ClinVar contains an entry for this variant (Variation ID: 635641). Invitae Evidence Modeling of protein sequence and biophysical properties (such as structural, functional, and spatial information, amino acid conservation, physicochemical variation, residue mobility, and thermodynamic stability) has been performed for this missense variant. However, the output from this modeling did not meet the statistical confidence thresholds required to predict the impact of this variant on HNF1B protein function. For these reasons, this variant has been classified as Pathogenic.

Fulgent Genetics
Classification: Pathogenic for Type 2 diabetes mellitus; Renal cysts and diabetes syndrome; Nonpapillary renal cell carcinoma. Last evaluated: 2024-06-11. Review status: criteria provided, single submitter. Criteria: ACMG Guidelines, 2015. Collection method: clinical testing. Allele origin: germline.

Mayo Clinic Laboratories, Mayo Clinic
Classification: Pathogenic. Last evaluated: 2023-11-14. Review status: criteria provided, single submitter. Criteria: ACMG Guidelines, 2015. Collection method: clinical testing. Allele origin: germline. Observed: 1 variant allele.
Comment: PP3, PM1, PM2, PM6_strong, PS4_moderate

CeGaT Center for Human Genetics Tuebingen
Classification: Pathogenic. Last evaluated: 2023-11-01. Review status: criteria provided, single submitter. Criteria: CeGaT Center For Human Genetics Tuebingen Variant Classification Criteria Version 2. Collection method: clinical testing. Allele origin: germline. Affected: yes. Observed: 1 variant allele.
Comment: HNF1B: PM2, PM5, PP1:Moderate, PS4:Moderate, PM6:Supporting, PP3

Institute of Human Genetics, FAU Erlangen, Friedrich-Alexander-Universität Erlangen-Nürnberg
Classification: Pathogenic for Renal cysts and diabetes syndrome. Last evaluated: 2019-07-06. Review status: criteria provided, single submitter. Criteria: ACMG Guidelines, 2015. Collection method: literature only. Allele origin: germline. Affected: yes.
Comment: This variant and it's classification has been reported by Vasileiou et al. 2019; DOI:10.1101/576918. The variants has previously been reported in PMID:25700310; PMID:15930087; PMID:24382792; PMID:27297286; PMID:25536396 as "c.827G>A, c.1021G>A; c.827G > A, p.Arg276Gln Exon 4 missense; c.827G>A" with clinical significance Pathogenic. It has been re-classified using InterVar and manual curation as Pathogenic based on PS2 PS4 PM1 PM2 PP3 PP5.

Gharavi Laboratory, Columbia University
Classification: Likely pathogenic for Renal cysts and diabetes syndrome. Last evaluated: 2024-11-05. Review status: no assertion criteria provided. Criteria: ACMG Guidelines, 2015. Collection method: case-control. Allele origin: germline. Affected: yes. Not counted in ClinVar's aggregate classification.

Literature cited by the submitters: PubMed 16249435 (cited by 3billion); PubMed 15930087 (cited by 4 submitters); PubMed 23539225 (cited by Labcorp Genetics (formerly Invitae), Labcorp and Mayo Clinic Laboratories, Mayo Clinic); PubMed 30791938 (cited by Labcorp Genetics (formerly Invitae), Labcorp and Mayo Clinic Laboratories, Mayo Clinic); PubMed 21163139 (cited by Mayo Clinic Laboratories, Mayo Clinic); PubMed 24382792 (cited by Mayo Clinic Laboratories, Mayo Clinic and Institute of Human Genetics, FAU Erlangen, Friedrich-Alexander-Universität Erlangen-Nürnberg); PubMed 27297286 (cited by Mayo Clinic Laboratories, Mayo Clinic and Institute of Human Genetics, FAU Erlangen, Friedrich-Alexander-Universität Erlangen-Nürnberg); PubMed 35474932 (cited by Mayo Clinic Laboratories, Mayo Clinic); PubMed 36672242 (cited by Mayo Clinic Laboratories, Mayo Clinic); PubMed 36793123 (cited by Mayo Clinic Laboratories, Mayo Clinic); PubMed 25700310 (cited by Institute of Human Genetics, FAU Erlangen, Friedrich-Alexander-Universität Erlangen-Nürnberg); PubMed 25536396 (cited by Institute of Human Genetics, FAU Erlangen, Friedrich-Alexander-Universität Erlangen-Nürnberg); DOI 10.1101/576918 (cited by Institute of Human Genetics, FAU Erlangen, Friedrich-Alexander-Universität Erlangen-Nürnberg).

NM_000458.4(HNF1B):c.827G>A (p.Arg276Gln)

Gene: HNF1B (HNF1 homeobox B; minus strand). Cytogenetic location: 17q12.
Variant type: single nucleotide variant.
Coding change: c.827G>A on transcript NM_000458.4 (MANE Select); coding-DNA position 827, G replaced by A.
Protein change: p.Arg276Gln; replaces arginine 276 with glutamine.
Molecular consequence: missense variant.
Genome position (GRCh38, 1-based): chr17:37,731,813, C>T on the plus strand (G>A on the coding strand, the complement: HNF1B is on the minus strand). VCF-style: chr17-37731813-C-T. GRCh37 (hg19) VCF-style: chr17-36091804-C-T.
Other names: p.Arg276Gln; c.749G>A, p.Arg250Gln (NM_001165923.4, NM_001304286.2); c.827G>A (NM_000458.2); short protein forms R276Q, R250Q.
Identifiers: ClinVar variation 635641 (VCV000635641.35), dbSNP rs2511802259, ClinGen allele CA398747064.